The following is an entry in ClinVar:

NM_001286.5(CLCN6):c.1399T>G (p.Leu467Val)

Gene: CLCN6 (chloride voltage-gated channel 6; plus strand). Cytogenetic location: 1p36.22.
Variant type: single nucleotide variant.
Coding change: c.1399T>G on transcript NM_001286.5 (MANE Select); coding-DNA position 1399, T replaced by G.
Protein change: p.Leu467Val; replaces leucine 467 with valine.
Molecular consequence: missense variant. On other transcripts: non-coding transcript variant (1).
Genome position (GRCh38, 1-based): chr1:11,833,903, T>G. VCF-style: chr1-11833903-T-G. GRCh37 (hg19) VCF-style: chr1-11893960-T-G.
Other names: c.1333T>G, p.Leu445Val (NM_001256959.2); c.1399T>G (NM_001286.2); short protein forms L445V, L467V.
Identifiers: ClinVar variation 1349950 (VCV001349950.9), dbSNP rs752723999, ClinGen allele CA596469.
Genomic context (GRCh38, chr1:11,833,903, plus strand): 5'-GGTAGTGGGACTCAGGTTGGCTCTTCCCTTGCAGGTACTTTCAGCCCCGTCACTCTGGCC[T>G]TGTTCTTCGTTCTCTATTTCTTGCTTGCATGTTGGACTTACGGCATTTCTGTTCCAAGTG-3'
Protein context (NP_001277.2, residues 457-477): DGTFSPVTLA[Leu467Val]FFVLYFLLAC

ClinVar aggregate classification (germline): Uncertain significance. Review status: criteria provided, multiple submitters, no conflicts (2 of 4 stars). 2 submissions from 2 submitters: Uncertain significance (2). Last evaluated 2024-07-06.

Allele frequency attached by ClinVar (database versions not stated): ExAC 0.00001; gnomAD exomes 0.00001.
gnomAD v4.1: 3 of 1,613,108 alleles (0.00019%); highest among the groups gnomAD compares: Admixed American, 0.0034%; no homozygotes.

Submissions (2):

Labcorp Genetics (formerly Invitae), Labcorp
Classification: Uncertain significance. Last evaluated: 2024-07-06. Review status: criteria provided, single submitter. Criteria: Invitae Variant Classification Sherloc (09022015). Collection method: clinical testing. Allele origin: germline.
Comment: This sequence change replaces leucine, which is neutral and non-polar, with valine, which is neutral and non-polar, at codon 467 of the CLCN6 protein (p.Leu467Val). This variant is present in population databases (rs752723999, gnomAD 0.006%). This variant has not been reported in the literature in individuals affected with CLCN6-related conditions. ClinVar contains an entry for this variant (Variation ID: 1349950). An algorithm developed to predict the effect of missense changes on protein structure and function (PolyPhen-2) suggests that this variant is likely to be tolerated. In summary, the available evidence is currently insufficient to determine the role of this variant in disease. Therefore, it has been classified as a Variant of Uncertain Significance.

Ambry Genetics
Classification: Uncertain significance. Last evaluated: 2022-01-03. Review status: criteria provided, single submitter. Criteria: Ambry Variant Classification Scheme 2023. Collection method: clinical testing. Allele origin: germline.